The following is an entry in ClinVar:

NM_178335.3(CCDC50):c.808C>G (p.Arg270Gly)

Gene: CCDC50 (coiled-coil domain containing 50; plus strand). Cytogenetic location: 3q28.
Variant type: single nucleotide variant.
Coding change: c.808C>G on transcript NM_178335.3 (MANE Select); coding-DNA position 808, C replaced by G.
Protein change: p.Arg270Gly; replaces arginine 270 with glycine.
Molecular consequence: missense variant. On other transcripts: intron variant (1).
Genome position (GRCh38, 1-based): chr3:191,375,421, C>G. VCF-style: chr3-191375421-C-G. GRCh37 (hg19) VCF-style: chr3-191093210-C-G.
Other names: c.449-4738C>G (NM_174908.4); short protein forms R270G.
Identifiers: ClinVar variation 2113304 (VCV002113304.4), dbSNP rs774926550, ClinGen allele CA2755337.

ClinVar aggregate classification (germline): Uncertain significance (1 of 4 stars; one submission).

gnomAD v4.1: 14 of 1,613,730 alleles (0.00087%); highest among the groups gnomAD compares: Admixed American, 0.005%; no homozygotes.

Submission:

Labcorp Genetics (formerly Invitae), Labcorp
Classification: Uncertain significance. Last evaluated: 2022-03-17. Review status: criteria provided, single submitter. Criteria: Invitae Variant Classification Sherloc (09022015). Collection method: clinical testing. Allele origin: germline.
Comment: This sequence change replaces arginine, which is basic and polar, with glycine, which is neutral and non-polar, at codon 270 of the CCDC50 protein (p.Arg270Gly). This variant is present in population databases (rs774926550, gnomAD 0.006%). This variant has not been reported in the literature in individuals affected with CCDC50-related conditions. Algorithms developed to predict the effect of missense changes on protein structure and function (SIFT, PolyPhen-2, Align-GVGD) all suggest that this variant is likely to be tolerated. In summary, the available evidence is currently insufficient to determine the role of this variant in disease. Therefore, it has been classified as a Variant of Uncertain Significance.